The following is an entry in ClinVar:

ClinVar aggregate classification (germline): Likely benign. Review status: criteria provided, multiple submitters, no conflicts (2 of 4 stars). 2 submissions from 2 submitters: Likely benign (2). Last evaluated 2026-02-01.

Allele frequency attached by ClinVar (database versions not stated): gnomAD 0.00001; TOPMed 0.00002; ExAC 0.00004.
gnomAD v4.1: 41 of 1,608,486 alleles (0.0025%); highest among the groups gnomAD compares: Middle Eastern, 0.016%; no homozygotes.

Submissions (2):

CeGaT Center for Human Genetics Tuebingen
Classification: Likely benign. Last evaluated: 2026-02-01. Review status: criteria provided, single submitter. Criteria: CeGaT Center For Human Genetics Tuebingen Variant Classification Criteria Version 2. Collection method: clinical testing. Allele origin: germline. Affected: yes. Observed: 1 variant allele.
Comment: DNA2: BP4, BP7

Labcorp Genetics (formerly Invitae), Labcorp
Classification: Likely benign. Last evaluated: 2025-03-10. Review status: criteria provided, single submitter. Criteria: Invitae Variant Classification Sherloc (09022015). Collection method: clinical testing. Allele origin: germline.

NM_001080449.3(DNA2):c.537A>G (p.Leu179=)

Gene: DNA2 (DNA replication helicase/nuclease 2; minus strand). Cytogenetic location: 10q21.3.
Variant type: single nucleotide variant.
Coding change: c.537A>G on transcript NM_001080449.3 (MANE Select); coding-DNA position 537, A replaced by G.
Protein change: p.Leu179=; no amino-acid change (leucine 179 retained).
Molecular consequence: synonymous variant. On other transcripts: non-coding transcript variant (1).
Genome position (GRCh38, 1-based): chr10:68,465,717, T>C on the plus strand (A>G on the coding strand, the complement: DNA2 is on the minus strand). VCF-style: chr10-68465717-T-C. GRCh37 (hg19) VCF-style: chr10-70225474-T-C.
Identifiers: ClinVar variation 2908777 (VCV002908777.7), dbSNP rs756304966, ClinGen allele CA5525273.
Genomic context (GRCh38, chr10:68,465,717, plus strand): 5'-AACTACTTACATTTCCTTCAAATGTCTTATTTCTTGAATTGTTTGAAAAGCAAGTTCTTG[T>C]AGCTTTTCTGGGGCAAAGCTATTATTTATGGCTTTTTGAAACACCTCATGGAGAACCGTA-3'
Protein context (NP_001073918.2, residues 169-189): AINNSFAPEK[Leu179=]QELAFQTIQE